The following is an entry in ClinVar:

ClinVar aggregate classification (germline): Uncertain significance (1 of 4 stars; one submission).

Submission:

Labcorp Genetics (formerly Invitae), Labcorp
Classification: Uncertain significance. Last evaluated: 2026-01-09. Review status: criteria provided, single submitter. Criteria: Invitae Variant Classification Sherloc (09022015). Collection method: clinical testing. Allele origin: germline.
Comment: This sequence change replaces alanine, which is neutral and non-polar, with proline, which is neutral and non-polar, at codon 274 of the FRMD5 protein (p.Ala274Pro). This variant is not present in population databases (gnomAD no frequency). This variant has not been reported in the literature in individuals affected with FRMD5-related conditions. An algorithm developed to predict the effect of missense changes on protein structure and function (PolyPhen-2) suggests that this variant is likely to be disruptive. In summary, the available evidence is currently insufficient to determine the role of this variant in disease. Therefore, it has been classified as a Variant of Uncertain Significance.

NM_032892.5(FRMD5):c.820G>C (p.Ala274Pro)

Gene: FRMD5 (FERM domain containing 5; minus strand). Cytogenetic location: 15q15.3.
Variant type: single nucleotide variant.
Coding change: c.820G>C on transcript NM_032892.5 (MANE Select); coding-DNA position 820, G replaced by C.
Protein change: p.Ala274Pro; replaces alanine 274 with proline.
Molecular consequence: missense variant. On other transcripts: non-coding transcript variant (1).
Genome position (GRCh38, 1-based): chr15:43,888,239, C>G on the plus strand (G>C on the coding strand, the complement: FRMD5 is on the minus strand). VCF-style: chr15-43888239-C-G. GRCh37 (hg19) VCF-style: chr15-44180437-C-G.
Other names: c.538G>C, p.Ala180Pro (NM_001286490.2); c.118G>C, p.Ala40Pro (NM_001286491.2); c.820G>C, p.Ala274Pro (NM_001322949.2, NM_001322950.2, NM_001411124.1); c.715G>C, p.Ala239Pro (NM_001322951.2); short protein forms A239P, A274P, A180P, A40P.
Identifiers: ClinVar variation 4735027 (VCV004735027.1).